The following is an entry in ClinVar:

NM_177438.3(DICER1):c.1787C>G (p.Thr596Ser)

Gene: DICER1 (dicer 1, ribonuclease III; minus strand). Cytogenetic location: 14q32.13.
Variant type: single nucleotide variant.
Coding change: c.1787C>G on transcript NM_177438.3 (MANE Select); coding-DNA position 1787, C replaced by G.
Protein change: p.Thr596Ser; replaces threonine 596 with serine.
Molecular consequence: missense variant.
Genome position (GRCh38, 1-based): chr14:95,115,787, G>C on the plus strand (C>G on the coding strand, the complement: DICER1 is on the minus strand). VCF-style: chr14-95115787-G-C. GRCh37 (hg19) VCF-style: chr14-95582124-G-C.
Other names: c.1787C>G, p.Thr596Ser (NM_001291628.2, NM_030621.4, NM_001195573.1 and 1 more transcripts); short protein forms T596S.
Identifiers: ClinVar variation 1002150 (VCV001002150.10), dbSNP rs754852266, ClinGen allele CA390884131.

ClinVar aggregate classification (germline): Uncertain significance (1 of 4 stars; one submission).

Conditions:
DICER1-related tumor predisposition. Also called: DICER1 syndrome; DICER1-related pleuropulmonary blastoma cancer predisposition syndrome. Identifiers: Orphanet 284343, MedGen C3839822, MONDO:0100216.

Submission:

Labcorp Genetics (formerly Invitae), Labcorp
Classification: Uncertain significance for DICER1-related tumor predisposition. Last evaluated: 2020-04-21. Review status: criteria provided, single submitter. Criteria: Invitae Variant Classification Sherloc (09022015). Collection method: clinical testing. Allele origin: germline.
Comment: In summary, the available evidence is currently insufficient to determine the role of this variant in disease. Therefore, it has been classified as a Variant of Uncertain Significance. Algorithms developed to predict the effect of missense changes on protein structure and function (SIFT, PolyPhen-2, Align-GVGD) all suggest that this variant is likely to be tolerated, but these predictions have not been confirmed by published functional studies and their clinical significance is uncertain. This variant has not been reported in the literature in individuals with DICER1-related conditions. This variant is not present in population databases (ExAC no frequency). This sequence change replaces threonine with serine at codon 596 of the DICER1 protein (p.Thr596Ser). The threonine residue is weakly conserved and there is a small physicochemical difference between threonine and serine.